The following is an entry in ClinVar:

NM_000059.4(BRCA2):c.7510_7513dup (p.Pro2505fs)

Gene: BRCA2 (BRCA2 DNA repair associated; plus strand). Cytogenetic location: 13q13.1.
Variant type: Duplication.
Coding change: c.7510_7513dup on transcript NM_000059.4 (MANE Select); coding-DNA positions 7510 to 7513, 4 bases duplicated (TTTC; older notation c.7510_7513dupTTTC).
Protein change: p.Pro2505fs; shifts the reading frame from proline 2505.
Molecular consequence: frameshift variant.
Genome position (GRCh38, 1-based): chr13:32,356,502-32,356,505, TTTC duplicated; duplicating any 4 consecutive bases within chr13:32,356,500-32,356,505 gives the same sequence; the c. name uses the placement nearest the transcript's 3' end. VCF-style (leftmost placement, unchanged base first): chr13-32356499-G-GTCTT. GRCh37 (hg19) VCF-style: chr13-32930636-G-GTCTT.
Other names: c.7510_7513dupTTTC (NM_000059.3); short protein forms P2505fs.
Identifiers: ClinVar variation 580411 (VCV000580411.10), dbSNP rs1566241990, ClinGen allele CA891844184.

ClinVar aggregate classification (germline): Pathogenic. Review status: criteria provided, multiple submitters, no conflicts (2 of 4 stars). 2 submissions from 2 submitters: Pathogenic (2). Last evaluated 2025-04-04.

Conditions:
Hereditary cancer-predisposing syndrome. Also called: Neoplastic Syndromes, Hereditary; Tumor predisposition; Hereditary neoplastic syndrome; Hereditary Cancer Syndrome. Identifiers: Orphanet 140162, MedGen C0027672, MeSH D009386, MONDO:0015356.
Hereditary breast ovarian cancer syndrome. Also called: Hereditary breast and ovarian cancer syndrome; Hereditary breast and ovarian cancer syndrome (HBOC); BRCA1- and BRCA2-Associated Hereditary Breast and Ovarian Cancer; Hereditary breast and/or ovarian cancer syndrome; Hereditary breast and ovarian cancer; Breast and ovarian cancer. Identifiers: Orphanet 145, MedGen C0677776, MeSH D061325, MONDO:0003582. Disease mechanism: loss of function.

Submissions (2):

Ambry Genetics
Classification: Pathogenic for Hereditary cancer-predisposing syndrome. Last evaluated: 2025-04-04. Review status: criteria provided, single submitter. Criteria: Ambry Variant Classification Scheme 2023. Collection method: clinical testing. Allele origin: germline.
Comment: The c.7510_7513dupTTTC pathogenic mutation, located in coding exon 14 of the BRCA2 gene, results from a duplication of TTTC at nucleotide position 7510, causing a translational frameshift with a predicted alternate stop codon (p.P2505Lfs*35). This alteration is expected to result in loss of function by premature protein truncation or nonsense-mediated mRNA decay. As such, this alteration is interpreted as a disease-causing mutation.

Labcorp Genetics (formerly Invitae), Labcorp
Classification: Pathogenic for Hereditary breast ovarian cancer syndrome. Last evaluated: 2024-12-02. Review status: criteria provided, single submitter. Criteria: Invitae Variant Classification Sherloc (09022015). Collection method: clinical testing. Allele origin: germline.
Comment: This sequence change creates a premature translational stop signal (p.Pro2505Leufs*35) in the BRCA2 gene. It is expected to result in an absent or disrupted protein product. Loss-of-function variants in BRCA2 are known to be pathogenic (PMID: 20104584). This variant is not present in population databases (gnomAD no frequency). This variant has not been reported in the literature in individuals affected with BRCA2-related conditions. ClinVar contains an entry for this variant (Variation ID: 580411). Algorithms developed to predict the effect of sequence changes on RNA splicing suggest that this variant may disrupt the consensus splice site. For these reasons, this variant has been classified as Pathogenic.

Literature cited by the submitters: PubMed 20104584 (cited by Labcorp Genetics (formerly Invitae), Labcorp).